The following is an entry in ClinVar:

NM_000443.4(ABCB4):c.3492T>G (p.Tyr1164Ter)

Gene: ABCB4 (ATP binding cassette subfamily B member 4; minus strand). Cytogenetic location: 7q21.12.
Variant type: single nucleotide variant.
Coding change: c.3492T>G on transcript NM_000443.4 (MANE Select); coding-DNA position 3492, T replaced by G.
Protein change: p.Tyr1164Ter; replaces tyrosine 1164 with a stop codon.
Molecular consequence: nonsense.
Genome position (GRCh38, 1-based): chr7:87,403,276, A>C on the plus strand (T>G on the coding strand, the complement: ABCB4 is on the minus strand). VCF-style: chr7-87403276-A-C. GRCh37 (hg19) VCF-style: chr7-87032592-A-C.
Other names: c.3513T>G, p.Tyr1171Ter (NM_018849.3); c.3351T>G, p.Tyr1117Ter (NM_018850.3); short protein forms Y1164*, Y1117*, Y1171*.
Identifiers: ClinVar variation 2737106 (VCV002737106.3), dbSNP rs905025919, ClinGen allele CA368057909.

ClinVar aggregate classification (germline): Pathogenic (1 of 4 stars; one submission).

Submission:

Labcorp Genetics (formerly Invitae), Labcorp
Classification: Pathogenic. Last evaluated: 2023-07-07. Review status: criteria provided, single submitter. Criteria: Invitae Variant Classification Sherloc (09022015). Collection method: clinical testing. Allele origin: germline.
Comment: This sequence change creates a premature translational stop signal (p.Tyr1164*) in the ABCB4 gene. It is expected to result in an absent or disrupted protein product. Loss-of-function variants in ABCB4 are known to be pathogenic (PMID: 17726488, 25755532). This variant is not present in population databases (gnomAD no frequency). This variant has not been reported in the literature in individuals affected with ABCB4-related conditions. For these reasons, this variant has been classified as Pathogenic.

Literature cited by the submitters: PubMed 17726488; PubMed 25755532.